The following is an entry in ClinVar:

NM_000075.4(CDK4):c.354+6T>A

Gene: CDK4 (cyclin dependent kinase 4; minus strand). Cytogenetic location: 12q14.1.
Variant type: single nucleotide variant.
Coding change: c.354+6T>A on transcript NM_000075.4 (MANE Select); 6 bases into the intron after coding-DNA position 354, T replaced by A.
Molecular consequence: intron variant.
Genome position (GRCh38, 1-based): chr12:57,751,201, A>T on the plus strand (T>A on the coding strand, the complement: CDK4 is on the minus strand). VCF-style: chr12-57751201-A-T. GRCh37 (hg19) VCF-style: chr12-58144984-A-T.
Identifiers: ClinVar variation 1006586 (VCV001006586.6), dbSNP rs1955232809, ClinGen allele CA2038996391.

ClinVar aggregate classification (germline): Uncertain significance (1 of 4 stars; one submission).

Conditions:
Familial melanoma. Also called: Hereditary melanoma; Hereditary cutaneous melanoma. Identifiers: Orphanet 618, MedGen C1512419, MONDO:0018961.

Submission:

Labcorp Genetics (formerly Invitae), Labcorp
Classification: Uncertain significance for Familial melanoma. Last evaluated: 2020-10-30. Review status: criteria provided, single submitter. Criteria: Invitae Variant Classification Sherloc (09022015). Collection method: clinical testing. Allele origin: germline.
Comment: In summary, the available evidence is currently insufficient to determine the role of this variant in disease. Therefore, it has been classified as a Variant of Uncertain Significance. Nucleotide substitutions within the consensus splice site are a relatively common cause of aberrant splicing (PMID: 17576681, 9536098). Algorithms developed to predict the effect of sequence changes on RNA splicing suggest that this variant may disrupt the consensus splice site, but this prediction has not been confirmed by published transcriptional studies. This variant has not been reported in the literature in individuals with CDK4-related conditions. This variant is not present in population databases (ExAC no frequency). This sequence change falls in intron 3 of the CDK4 gene. It does not directly change the encoded amino acid sequence of the CDK4 protein. It affects a nucleotide within the consensus splice site of the intron.

Literature cited by the submitters: PubMed 17576681; PubMed 9536098.